The following is an entry in ClinVar:

ClinVar aggregate classification (germline): Likely benign (1 of 4 stars; one submission).

Allele frequency attached by ClinVar (database versions not stated): 1000 Genomes Project 30x 0.01640; 1000 Genomes Project 0.01617; gnomAD 0.02712; TOPMed 0.03217.

Submission:

GeneDx
Classification: Likely benign. Last evaluated: 2018-06-19. Review status: criteria provided, single submitter. Criteria: GeneDx Variant Classification (06012015). Collection method: clinical testing. Allele origin: germline. Affected: yes.
Comment: This variant is considered likely benign or benign based on one or more of the following criteria: it is a conservative change, it occurs at a poorly conserved position in the protein, it is predicted to be benign by multiple in silico algorithms, and/or has population frequency not consistent with disease.

NM_033337.2(CAV3):c.-268C>T

Gene: CAV3 (caveolin 3; plus strand). Cytogenetic location: 3p25.3.
Variant type: single nucleotide variant.
Coding change: c.-268C>T on transcript NM_033337.2; 268 bases upstream of the start codon, C replaced by T.
Genome position (GRCh38, 1-based): chr3:8,733,609, C>T. VCF-style: chr3-8733609-C-T. GRCh37 (hg19) VCF-style: chr3-8775295-C-T.
Identifiers: ClinVar variation 680163 (VCV000680163.3), dbSNP rs237867, ClinGen allele CA69861724.